The following is an entry in ClinVar:

NM_016507.4(CDK12):c.1685A>G (p.Gln562Arg)

Gene: CDK12 (cyclin dependent kinase 12; plus strand). Cytogenetic location: 17q12.
Variant type: single nucleotide variant.
Coding change: c.1685A>G on transcript NM_016507.4 (MANE Select); coding-DNA position 1685, A replaced by G.
Protein change: p.Gln562Arg; replaces glutamine 562 with arginine.
Molecular consequence: missense variant.
Genome position (GRCh38, 1-based): chr17:39,471,517, A>G. VCF-style: chr17-39471517-A-G. GRCh37 (hg19) VCF-style: chr17-37627770-A-G.
Other names: c.1685A>G, p.Gln562Arg (NM_015083.4); short protein forms Q562R.
Identifiers: ClinVar variation 4224196 (VCV004224196.1).
Genomic context (GRCh38, chr17:39,471,517, plus strand): 5'-CTACCCCTCCACCTCAGACACCCCCTTTGCCACCTTTGCCTCCAATACCAGCTCTTCCAC[A>G]GCAACCACCTCTGCCTCCTTCTCAGCCAGCATTTAGTCAGGTTCCTGCTTCCAGTACTTC-3'
Protein context (NP_057591.2, residues 552-572): PPLPPIPALP[Gln562Arg]QPPLPPSQPA

ClinVar aggregate classification (germline): Uncertain significance (1 of 4 stars; one submission).

Submission:

Ambry Genetics
Classification: Uncertain significance. Last evaluated: 2025-06-20. Review status: criteria provided, single submitter. Criteria: Ambry Variant Classification Scheme 2023. Collection method: clinical testing. Allele origin: germline.
Comment: The p.Q562R variant (also known as c.1685A>G), located in coding exon 2 of the CDK12 gene, results from an A to G substitution at nucleotide position 1685. The glutamine at codon 562 is replaced by arginine, an amino acid with highly similar properties. This amino acid position is conserved. In addition, this alteration is predicted to be tolerated by in silico analysis. Based on the available evidence, the clinical significance of this variant remains unclear.